The following is an entry in ClinVar:

ClinVar aggregate classification (germline): Pathogenic (1 of 4 stars; one submission).

Submission:

Labcorp Genetics (formerly Invitae), Labcorp
Classification: Pathogenic. Last evaluated: 2025-09-11. Review status: criteria provided, single submitter. Criteria: Invitae Variant Classification Sherloc (09022015). Collection method: clinical testing. Allele origin: germline.
Comment: This sequence change creates a premature translational stop signal (p.Arg623Lysfs*5) in the MSH3 gene. It is expected to result in an absent or disrupted protein product. Loss-of-function variants in MSH3 are known to be pathogenic (PMID: 27476653, 37402566). This variant is not present in population databases (gnomAD no frequency). This variant has not been reported in the literature in individuals affected with MSH3-related conditions. For these reasons, this variant has been classified as Pathogenic.

Literature cited by the submitters: PubMed 27476653; PubMed 37402566.

NM_002439.5(MSH3):c.1867dup (p.Arg623fs)

Gene: MSH3 (mutS homolog 3; plus strand). Cytogenetic location: 5q14.1.
Variant type: Duplication.
Coding change: c.1867dup on transcript NM_002439.5 (MANE Select); coding-DNA position 1867, one base duplicated (A; older notation c.1867dupA).
Protein change: p.Arg623fs; shifts the reading frame from arginine 623.
Molecular consequence: frameshift variant.
Genome position (GRCh38, 1-based): chr5:80,761,649, A duplicated. VCF-style (leftmost placement, unchanged base first): chr5-80761648-G-GA. GRCh37 (hg19) VCF-style: chr5-80057467-G-GA.
Other names: short protein forms R623fs.
Identifiers: ClinVar variation 4727041 (VCV004727041.1).